The following is an entry in ClinVar:

NM_007118.4(TRIO):c.8393A>G (p.Glu2798Gly)

Gene: TRIO (trio Rho guanine nucleotide exchange factor; plus strand). Cytogenetic location: 5p15.2.
Variant type: single nucleotide variant.
Coding change: c.8393A>G on transcript NM_007118.4 (MANE Select); coding-DNA position 8393, A replaced by G.
Protein change: p.Glu2798Gly; replaces glutamic acid 2798 with glycine.
Molecular consequence: missense variant. On other transcripts: non-coding transcript variant (1).
Genome position (GRCh38, 1-based): chr5:14,502,639, A>G. VCF-style: chr5-14502639-A-G. GRCh37 (hg19) VCF-style: chr5-14502748-A-G.
Other names: short protein forms E2798G.
Identifiers: ClinVar variation 3365301 (VCV003365301.1).

ClinVar aggregate classification (germline): Uncertain significance (1 of 4 stars; one submission).

gnomAD v4.1: 1 of 1,614,210 alleles (0.000062%); highest among the groups gnomAD compares: African/African-American, 0.0013%; no homozygotes.

Submission:

GeneDx
Classification: Uncertain significance. Last evaluated: 2023-12-04. Review status: criteria provided, single submitter. Criteria: GeneDx Variant Classification Process June 2021. Collection method: clinical testing. Allele origin: germline. Affected: yes.
Comment: Not observed at significant frequency in large population cohorts (gnomAD); In silico analysis supports that this missense variant has a deleterious effect on protein structure/function; Has not been previously published as pathogenic or benign to our knowledge